The following is an entry in ClinVar:

ClinVar aggregate classification (germline): Pathogenic. Review status: criteria provided, multiple submitters, no conflicts (2 of 4 stars). 2 submissions from 2 submitters: Pathogenic (2). Last evaluated 2025-06-26.

Conditions:
Familial cancer of breast. Also called: Hereditary breast cancer; BREAST CANCER, FAMILIAL; hereditary breast carcinoma. Identifiers: Orphanet 227535, MedGen C0346153, MONDO:0016419, OMIM 114480. Disease mechanism: loss of function.
Hereditary cancer-predisposing syndrome. Also called: Hereditary Cancer Syndrome; Hereditary neoplastic syndrome; Neoplastic Syndromes, Hereditary; Tumor predisposition. Identifiers: Orphanet 140162, MedGen C0027672, MeSH D009386, MONDO:0015356.

Submissions (2):

Ambry Genetics
Classification: Pathogenic for Hereditary cancer-predisposing syndrome. Last evaluated: 2025-06-26. Review status: criteria provided, single submitter. Criteria: Ambry Variant Classification Scheme 2023. Collection method: clinical testing. Allele origin: germline.
Comment: The p.Q482* pathogenic mutation (also known as c.1444C>T), located in coding exon 6 of the BARD1 gene, results from a C to T substitution at nucleotide position 1444. This changes the amino acid from a glutamine to a stop codon within coding exon 6. This variant is considered to be rare based on population cohorts in the Genome Aggregation Database (gnomAD). This alteration is expected to result in loss of function by premature protein truncation or nonsense-mediated mRNA decay. As such, this alteration is interpreted as a disease-causing mutation.

Labcorp Genetics (formerly Invitae), Labcorp
Classification: Pathogenic for Familial cancer of breast. Last evaluated: 2024-12-22. Review status: criteria provided, single submitter. Criteria: Invitae Variant Classification Sherloc (09022015). Collection method: clinical testing. Allele origin: germline.
Comment: This sequence change creates a premature translational stop signal (p.Gln482*) in the BARD1 gene. It is expected to result in an absent or disrupted protein product. Loss-of-function variants in BARD1 are known to be pathogenic (PMID: 20077502, 21344236). This variant is not present in population databases (gnomAD no frequency). This variant has not been reported in the literature in individuals affected with BARD1-related conditions. For these reasons, this variant has been classified as Pathogenic.

Literature cited by the submitters: PubMed 20077502 (cited by Labcorp Genetics (formerly Invitae), Labcorp); PubMed 21344236 (cited by Labcorp Genetics (formerly Invitae), Labcorp).

NM_000465.4(BARD1):c.1444C>T (p.Gln482Ter)

Gene: BARD1 (BRCA1 associated RING domain 1; minus strand). Cytogenetic location: 2q35.
Variant type: single nucleotide variant.
Coding change: c.1444C>T on transcript NM_000465.4 (MANE Select); coding-DNA position 1444, C replaced by T.
Protein change: p.Gln482Ter; replaces glutamine 482 with a stop codon.
Molecular consequence: nonsense. On other transcripts: non-coding transcript variant (3), intron variant (3).
Genome position (GRCh38, 1-based): chr2:214,767,606, G>A on the plus strand (C>T on the coding strand, the complement: BARD1 is on the minus strand). VCF-style: chr2-214767606-G-A. GRCh37 (hg19) VCF-style: chr2-215632330-G-A.
Other names: c.1387C>T, p.Gln463Ter (NM_001282543.2); c.159-15051C>T (NM_001282548.2); c.216-15051C>T (NM_001282545.2); c.364+24691C>T (NM_001282549.2); c.1444C>T (NM_000465.2); short protein forms Q463*, Q482*.
Identifiers: ClinVar variation 3727717 (VCV003727717.3).